The following is an entry in ClinVar:

NM_032756.4(HPDL):c.862T>C (p.Tyr288His)

Genes: HPDL (4-hydroxyphenylpyruvate dioxygenase like; plus strand), LOC129930440 (ATAC-STARR-seq lymphoblastoid active region 965; plus strand). Cytogenetic location: 1p34.1.
Variant type: single nucleotide variant.
Coding change: c.862T>C on transcript NM_032756.4 (MANE Select); coding-DNA position 862, T replaced by C.
Protein change: p.Tyr288His; replaces tyrosine 288 with histidine.
Molecular consequence: missense variant.
Genome position (GRCh38, 1-based): chr1:45,328,010, T>C. VCF-style: chr1-45328010-T-C. GRCh37 (hg19) VCF-style: chr1-45793682-T-C.
Other names: p.Tyr288His; short protein forms Y288H.
Identifiers: ClinVar variation 3076081 (VCV003076081.2).

ClinVar aggregate classification (germline): Likely pathogenic (1 of 4 stars; one submission).

Conditions:
Spastic paraplegia 83, autosomal recessive. Identifiers: Orphanet 631076, MedGen C5436637, MONDO:0033614, OMIM 619027.

Submission:

University of Science and Technology Houari Boumediene, Laboratory of Molecular and Cellular Biology (LBCM)
Classification: Likely pathogenic for Spastic paraplegia 83, autosomal recessive. Last evaluated: 2024-04-18. Review status: criteria provided, single submitter. Criteria: ACMG Guidelines, 2015. Collection method: research. Allele origin: biparental. Inheritance: Autosomal recessive inheritance. Affected: yes. Observed: 3 variant alleles, 3 homozygotes. Clinical features observed: Spastic paraplegia (HP:0001258), Intellectual disability, mild (HP:0001256), Nystagmus (HP:0000639), Pes planus (HP:0001763), Dysuria (HP:0100518), Thin corpus callosum (HP:0033725).
Comment: This missense variant results in the replacement of a highly conserved tyrosine (present in 12 species), located in the vicinal oxygen chelate domain 2 of HPDL, with histidine. Amino acid alignments were generated using Alamut® Visual v.2.15 software (Interactive Biosoftware, SOPHiA GENETICS). This variant is predicted to be disease-causing using standard in silico prediction tools (CADD, SIFT, PolyPhen-2, and MutationTaster) and is not reported in publicly available databases (1000 Genomes and gnomAD).